The following is an entry in ClinVar:

NM_001084.5(PLOD3):c.2088C>T (p.Tyr696=)

Gene: PLOD3 (procollagen-lysine,2-oxoglutarate 5-dioxygenase 3; minus strand). Cytogenetic location: 7q22.1.
Variant type: single nucleotide variant.
Coding change: c.2088C>T on transcript NM_001084.5 (MANE Select); coding-DNA position 2088, C replaced by T.
Protein change: p.Tyr696=; no amino-acid change (tyrosine 696 retained).
Molecular consequence: synonymous variant.
Genome position (GRCh38, 1-based): chr7:101,206,410, G>A on the plus strand (C>T on the coding strand, the complement: PLOD3 is on the minus strand). VCF-style: chr7-101206410-G-A. GRCh37 (hg19) VCF-style: chr7-100849691-G-A.
Other names: c.2088C>T (NM_001084.4).
Identifiers: ClinVar variation 1528599 (VCV001528599.10), dbSNP rs140519195, ClinGen allele CA4407377.
Genomic context (GRCh38, chr7:101,206,410, plus strand): 5'-GGTGAGGCGGCCGGGGTGCAGGAGTGCCCAGCCCTTCCTCGGGGAGGAGATCACACAGTC[G>A]TAGCGCAGGAAGCGGCAGCCACCTCCCTGGAAAGAGAAGGGAAAGGAAACATGGAGTGAG-3'
Protein context (NP_001075.1, residues 686-706): YEGGGCRFLR[Tyr696=]DCVISSPRKG

ClinVar aggregate classification (germline): Likely benign. Review status: criteria provided, single submitter (1 of 4 stars). 2 submissions from 2 submitters: Likely benign (1). 1 of the submissions does not count toward it. Last evaluated 2025-10-16.

Conditions:
PLOD3-related disorder. Also called: PLOD3-related condition.

Allele frequency attached by ClinVar (database versions not stated): ExAC 0.00007; ESP Exome Variant Server 0.00008; gnomAD 0.00019 and 0.00020; 1000 Genomes Project 0.00020; TOPMed 0.00020; 1000 Genomes Project 30x 0.00031.
gnomAD v4.1: 79 of 1,612,634 alleles (0.0049%); highest among the groups gnomAD compares: African/African-American, 0.041%; 1 homozygote.

Submissions (2):

Labcorp Genetics (formerly Invitae), Labcorp
Classification: Likely benign. Last evaluated: 2025-10-16. Review status: criteria provided, single submitter. Criteria: Invitae Variant Classification Sherloc (09022015). Collection method: clinical testing. Allele origin: germline.

PreventionGenetics, part of Exact Sciences
Classification: Likely benign for PLOD3-related condition. Last evaluated: 2019-03-13. Review status: no assertion criteria provided. Collection method: clinical testing. Allele origin: germline. Not counted in ClinVar's aggregate classification.
Comment: This variant is classified as likely benign based on ACMG/AMP sequence variant interpretation guidelines (Richards et al. 2015 PMID: 25741868, with internal and published modifications).